The following is an entry in ClinVar:

ClinVar aggregate classification (germline): Uncertain significance (1 of 4 stars; one submission).

Allele frequency attached by ClinVar (database versions not stated): gnomAD 0.00001; gnomAD exomes 0.00001; TOPMed 0.00001.
gnomAD v4.1: 11 of 1,610,118 alleles (0.00068%); highest among the groups gnomAD compares: East Asian, 0.0022%; no homozygotes.

Submission:

Labcorp Genetics (formerly Invitae), Labcorp
Classification: Uncertain significance. Last evaluated: 2023-03-27. Review status: criteria provided, single submitter. Criteria: Invitae Variant Classification Sherloc (09022015). Collection method: clinical testing. Allele origin: germline.
Comment: In summary, the available evidence is currently insufficient to determine the role of this variant in disease. Therefore, it has been classified as a Variant of Uncertain Significance. Algorithms developed to predict the effect of missense changes on protein structure and function output the following: SIFT: "Not Available"; PolyPhen-2: "Possibly Damaging"; Align-GVGD: "Not Available". The histidine amino acid residue is found in multiple mammalian species, which suggests that this missense change does not adversely affect protein function. This variant has not been reported in the literature in individuals affected with AHDC1-related conditions. This variant is present in population databases (no rsID available, gnomAD 0.01%). This sequence change replaces arginine, which is basic and polar, with histidine, which is basic and polar, at codon 281 of the AHDC1 protein (p.Arg281His).

NM_001371928.1(AHDC1):c.842G>A (p.Arg281His)

Gene: AHDC1 (AT-hook DNA binding motif containing 1; minus strand). Cytogenetic location: 1p36.11.
Variant type: single nucleotide variant.
Coding change: c.842G>A on transcript NM_001371928.1 (MANE Select); coding-DNA position 842, G replaced by A.
Protein change: p.Arg281His; replaces arginine 281 with histidine.
Molecular consequence: missense variant.
Genome position (GRCh38, 1-based): chr1:27,551,274, C>T on the plus strand (G>A on the coding strand, the complement: AHDC1 is on the minus strand). VCF-style: chr1-27551274-C-T. GRCh37 (hg19) VCF-style: chr1-27877785-C-T.
Other names: c.842G>A, p.Arg281His (NM_001029882.3); short protein forms R281H.
Identifiers: ClinVar variation 2887410 (VCV002887410.3), dbSNP rs889710063, ClinGen allele CA19878455.